The following is an entry in ClinVar:

ClinVar aggregate classification (germline): Likely pathogenic (1 of 4 stars; one submission).

Conditions:
Microcephaly, normal intelligence and immunodeficiency (NBS). Also called: Immunodeficiency, microcephaly with normal intelligence; Ataxia telangiectasia variant V1; IMMUNODEFICIENCY, MICROCEPHALY, AND CHROMOSOMAL INSTABILITY; BERLIN BREAKAGE SYNDROME; SEEMANOVA SYNDROME II; Nijmegen breakage syndrome. Identifiers: Orphanet 647, MedGen C0398791, MONDO:0009623, OMIM 251260.

Submission:

Labcorp Genetics (formerly Invitae), Labcorp
Classification: Likely pathogenic for Microcephaly, normal intelligence and immunodeficiency. Last evaluated: 2021-12-07. Review status: criteria provided, single submitter. Criteria: Invitae Variant Classification Sherloc (09022015). Collection method: clinical testing. Allele origin: germline.
Comment: This sequence change creates a premature translational stop signal (p.Asp707Lysfs*27) in the NBN gene. While this is not anticipated to result in nonsense mediated decay, it is expected to disrupt the last 48 amino acid(s) of the NBN protein. This variant is not present in population databases (gnomAD no frequency). This variant has not been reported in the literature in individuals affected with NBN-related conditions. ClinVar contains an entry for this variant (Variation ID: 530717). This variant disrupts the ATM interaction domain of the NBN protein (PMID: 24894818, 21035407), which is important for activating ATM in the double-strand break repair pathway (PMID: 15964794, 15048089). While functional studies have not been performed to directly test the effect of this variant on NBN protein function, this suggests that disruption of this region of the protein is causative of disease. In summary, the currently available evidence indicates that the variant is pathogenic, but additional data are needed to prove that conclusively. Therefore, this variant has been classified as Likely Pathogenic.

Literature cited by the submitters: PubMed 24894818; PubMed 21035407; PubMed 15964794; PubMed 15048089.

NM_002485.5(NBN):c.2119_2141del (p.Asp707fs)

Gene: NBN (nibrin; minus strand). Cytogenetic location: 8q21.3.
Variant type: Deletion.
Coding change: c.2119_2141del on transcript NM_002485.5 (MANE Select); coding-DNA positions 2119 to 2141, 23 bases deleted (GATCTAATAGCTCATCATGCTCG).
Protein change: p.Asp707fs; shifts the reading frame from aspartic acid 707.
Molecular consequence: frameshift variant.
Genome position (GRCh38, 1-based): chr8:89,943,296-89,943,318, CGAGCATGATGAGCTATTAGATC deleted on the plus strand (GATCTAATAGCTCATCATGCTCG on the coding strand, the reverse complement: NBN is on the minus strand). VCF-style (leftmost placement, unchanged base first): chr8-89943295-TCGAGCATGATGAGCTATTAGATC-T. GRCh37 (hg19) VCF-style: chr8-90955523-TCGAGCATGATGAGCTATTAGATC-T.
Other names: c.2119_2141delGATCTAATAGCTCATCATGCTCG (NM_002485.4); c.1873_1895del, p.Asp625fs (NM_001024688.3); short protein forms D625fs, D707fs.
Identifiers: ClinVar variation 530717 (VCV000530717.6), dbSNP rs1554555782, ClinGen allele CA658797126.